The following is an entry in ClinVar:

ClinVar aggregate classification (germline): Uncertain significance. Review status: criteria provided, multiple submitters, no conflicts (2 of 4 stars). 2 submissions from 2 submitters: Uncertain significance (2). Last evaluated 2024-12-29.

Conditions:
Inborn genetic diseases. Identifiers: MedGen C0950123, MeSH D030342.

Allele frequency attached by ClinVar (database versions not stated): ExAC 0.00002; TOPMed 0.00003; gnomAD 0.00006 and 0.00007; ESP Exome Variant Server 0.00008; 1000 Genomes Project 30x 0.00016; gnomAD exomes 0.00018.
gnomAD v4.1: 272 of 1,613,216 alleles (0.017%); highest among the groups gnomAD compares: Non-Finnish European, 0.022%; 1 homozygote.

Submissions (2):

Labcorp Genetics (formerly Invitae), Labcorp
Classification: Uncertain significance. Last evaluated: 2024-12-29. Review status: criteria provided, single submitter. Criteria: Invitae Variant Classification Sherloc (09022015). Collection method: clinical testing. Allele origin: germline.
Comment: This sequence change replaces proline, which is neutral and non-polar, with threonine, which is neutral and polar, at codon 2069 of the DCHS1 protein (p.Pro2069Thr). This variant is present in population databases (rs375129552, gnomAD 0.005%). This variant has not been reported in the literature in individuals affected with DCHS1-related conditions. ClinVar contains an entry for this variant (Variation ID: 1389426). Invitae Evidence Modeling of protein sequence and biophysical properties (such as structural, functional, and spatial information, amino acid conservation, physicochemical variation, residue mobility, and thermodynamic stability) indicates that this missense variant is not expected to disrupt DCHS1 protein function with a negative predictive value of 95%. In summary, the available evidence is currently insufficient to determine the role of this variant in disease. Therefore, it has been classified as a Variant of Uncertain Significance.

Ambry Genetics
Classification: Uncertain significance for Inborn genetic diseases. Last evaluated: 2024-02-28. Review status: criteria provided, single submitter. Criteria: Ambry Variant Classification Scheme 2023. Collection method: clinical testing. Allele origin: germline.

NM_003737.4(DCHS1):c.6205C>A (p.Pro2069Thr)

Gene: DCHS1 (dachsous cadherin-related 1; minus strand). Cytogenetic location: 11p15.4.
Variant type: single nucleotide variant.
Coding change: c.6205C>A on transcript NM_003737.4 (MANE Select); coding-DNA position 6205, C replaced by A.
Protein change: p.Pro2069Thr; replaces proline 2069 with threonine.
Molecular consequence: missense variant.
Genome position (GRCh38, 1-based): chr11:6,626,834, G>T on the plus strand (C>A on the coding strand, the complement: DCHS1 is on the minus strand). VCF-style: chr11-6626834-G-T. GRCh37 (hg19) VCF-style: chr11-6648065-G-T.
Other names: c.6205C>A (NM_003737.2); short protein forms P2069T.
Identifiers: ClinVar variation 1389426 (VCV001389426.7), dbSNP rs375129552, ClinGen allele CA5859941.